The following is an entry in ClinVar:

NM_005045.4(RELN):c.4751A>G (p.Lys1584Arg)

Gene: RELN (reelin; minus strand). Cytogenetic location: 7q22.1.
Variant type: single nucleotide variant.
Coding change: c.4751A>G on transcript NM_005045.4 (MANE Select); coding-DNA position 4751, A replaced by G.
Protein change: p.Lys1584Arg; replaces lysine 1584 with arginine.
Molecular consequence: missense variant.
Genome position (GRCh38, 1-based): chr7:103,566,409, T>C on the plus strand (A>G on the coding strand, the complement: RELN is on the minus strand). VCF-style: chr7-103566409-T-C. GRCh37 (hg19) VCF-style: chr7-103206856-T-C.
Other names: c.4751A>G, p.Lys1584Arg (NM_173054.3); short protein forms K1584R.
Identifiers: ClinVar variation 2939523 (VCV002939523.3), dbSNP rs2484743521, ClinGen allele CA368748311.

ClinVar aggregate classification (germline): Uncertain significance (1 of 4 stars; one submission).

Conditions:
Norman-Roberts syndrome (LIS2). Also called: Lissencephaly 2 (Norman-Roberts type). Identifiers: Orphanet 89844, MedGen C0796089, MONDO:0009760, OMIM 257320.
Familial temporal lobe epilepsy 7. Identifiers: Orphanet 101046, MedGen C4225327, MONDO:0014639, OMIM 616436.

Submission:

Labcorp Genetics (formerly Invitae), Labcorp
Classification: Uncertain significance for Familial temporal lobe epilepsy 7; Norman-Roberts syndrome. Last evaluated: 2022-12-09. Review status: criteria provided, single submitter. Criteria: Invitae Variant Classification Sherloc (09022015). Collection method: clinical testing. Allele origin: germline.
Comment: In summary, the available evidence is currently insufficient to determine the role of this variant in disease. Therefore, it has been classified as a Variant of Uncertain Significance. This sequence change replaces lysine, which is basic and polar, with arginine, which is basic and polar, at codon 1584 of the RELN protein (p.Lys1584Arg). This variant is not present in population databases (gnomAD no frequency). This variant has not been reported in the literature in individuals affected with RELN-related conditions. Advanced modeling of protein sequence and biophysical properties (such as structural, functional, and spatial information, amino acid conservation, physicochemical variation, residue mobility, and thermodynamic stability) performed at Invitae indicates that this missense variant is not expected to disrupt RELN protein function.